The following is an entry in ClinVar:

NM_033124.5(DRC2):c.242T>C (p.Ile81Thr)

Gene: DRC2 (dynein regulatory complex subunit 2; plus strand). Cytogenetic location: 12q13.12.
Variant type: single nucleotide variant.
Coding change: c.242T>C on transcript NM_033124.5 (MANE Select); coding-DNA position 242, T replaced by C.
Protein change: p.Ile81Thr; replaces isoleucine 81 with threonine.
Molecular consequence: missense variant. On other transcripts: 5 prime UTR variant (1).
Genome position (GRCh38, 1-based): chr12:48,905,055, T>C. VCF-style: chr12-48905055-T-C. GRCh37 (hg19) VCF-style: chr12-49298838-T-C.
Other names: c.-188T>C (NM_001286957.2); short protein forms I81T.
Identifiers: ClinVar variation 1397545 (VCV001397545.8), dbSNP rs771367100, ClinGen allele CA6543184.

ClinVar aggregate classification (germline): Uncertain significance (1 of 4 stars; one submission).

Conditions:
Primary ciliary dyskinesia 27. Also called: CILIARY DYSKINESIA, PRIMARY, 27, WITHOUT SITUS INVERSUS. Identifiers: Orphanet 244, MedGen C3809701, MONDO:0014215, OMIM 615504.

Allele frequency attached by ClinVar (database versions not stated): TOPMed below 0.00001; ExAC 0.00001; gnomAD 0.00001; gnomAD exomes 0.00001.
gnomAD v4.1: 22 of 1,613,910 alleles (0.0014%); highest among the groups gnomAD compares: Non-Finnish European, 0.0017%; no homozygotes.

Submission:

Labcorp Genetics (formerly Invitae), Labcorp
Classification: Uncertain significance for Primary ciliary dyskinesia 27. Last evaluated: 2024-11-11. Review status: criteria provided, single submitter. Criteria: Invitae Variant Classification Sherloc (09022015). Collection method: clinical testing. Allele origin: germline.
Comment: This sequence change replaces isoleucine, which is neutral and non-polar, with threonine, which is neutral and polar, at codon 81 of the CCDC65 protein (p.Ile81Thr). This variant is present in population databases (rs771367100, gnomAD 0.003%). This variant has not been reported in the literature in individuals affected with CCDC65-related conditions. ClinVar contains an entry for this variant (Variation ID: 1397545). An algorithm developed to predict the effect of missense changes on protein structure and function (PolyPhen-2) suggests that this variant is likely to be disruptive. In summary, the available evidence is currently insufficient to determine the role of this variant in disease. Therefore, it has been classified as a Variant of Uncertain Significance.